The following is an entry in ClinVar:

NM_001379200.1(TBX1):c.1329G>A (p.Ala443=)

Gene: TBX1 (T-box transcription factor 1; plus strand). Cytogenetic location: 22q11.21.
Variant type: single nucleotide variant.
Coding change: c.1329G>A on transcript NM_001379200.1 (MANE Select); coding-DNA position 1329, G replaced by A.
Protein change: p.Ala443=; no amino-acid change (alanine 443 retained).
Molecular consequence: synonymous variant. On other transcripts: intron variant (2).
Genome position (GRCh38, 1-based): chr22:19,766,681, G>A. VCF-style: chr22-19766681-G-A. GRCh37 (hg19) VCF-style: chr22-19754204-G-A.
Other names: c.1302G>A, p.Ala434= (NM_080647.1); c.1009+679G>A (NM_005992.1, NM_080646.2).
Identifiers: ClinVar variation 705913 (VCV000705913.15), dbSNP rs772860144, ClinGen allele CA10102712.

ClinVar aggregate classification (germline): Likely benign. Review status: criteria provided, multiple submitters, no conflicts (2 of 4 stars). 4 submissions from 4 submitters: Likely benign (4). Last evaluated 2026-06-03.

Conditions:
DiGeorge syndrome. Also called: Catch22; THIRD AND FOURTH PHARYNGEAL POUCH SYNDROME. Identifiers: Orphanet 567, MedGen C0012236, MONDO:0008564, OMIM 188400.
Cardiovascular phenotype. Identifiers: MedGen CN230736.
TBX1-related disorder. Also called: TBX1-Related Disorders; TBX1-related condition.

Allele frequency attached by ClinVar (database versions not stated): gnomAD 0.00001; TOPMed 0.00004.
gnomAD v4.1: 28 of 1,547,994 alleles (0.0018%); highest among the groups gnomAD compares: Admixed American, 0.047%; no homozygotes.

Submissions (4):

PreventionGenetics, part of Exact Sciences
Classification: Likely benign for TBX1-related condition. Last evaluated: 2026-06-03. Review status: criteria provided, single submitter. Criteria: ACMG Guidelines, 2015. Collection method: clinical testing. Allele origin: germline.
Comment: This variant is classified as likely benign based on ACMG/AMP sequence variant interpretation guidelines (Richards et al. 2015 PMID: 25741868, with internal and published modifications).

Ambry Genetics
Classification: Likely benign for Cardiovascular phenotype. Last evaluated: 2026-04-08. Review status: criteria provided, single submitter. Criteria: Ambry Variant Classification Scheme 2023. Collection method: clinical testing. Allele origin: germline.

Labcorp Genetics (formerly Invitae), Labcorp
Classification: Likely benign for DiGeorge syndrome. Last evaluated: 2025-12-09. Review status: criteria provided, single submitter. Criteria: Invitae Variant Classification Sherloc (09022015). Collection method: clinical testing. Allele origin: germline.

Blueprint Genetics
Classification: Likely benign. Last evaluated: 2022-02-03. Review status: criteria provided, single submitter. Criteria: ACMG Guidelines, 2015. Collection method: clinical testing. Allele origin: germline.